The following is an entry in ClinVar:

NM_005562.3(LAMC2):c.3328+1G>A

Gene: LAMC2 (laminin subunit gamma 2; plus strand). Cytogenetic location: 1q25.3.
Variant type: single nucleotide variant.
Coding change: c.3328+1G>A on transcript NM_005562.3 (MANE Select); the canonical splice donor site of the intron after coding-DNA position 3328, G replaced by A.
Molecular consequence: splice donor variant. On other transcripts: missense variant (1).
Genome position (GRCh38, 1-based): chr1:183,240,392, G>A. VCF-style: chr1-183240392-G-A. GRCh37 (hg19) VCF-style: chr1-183209527-G-A.
Other names: c.3329G>A, p.Gly1110Asp (NM_018891.3); short protein forms G1110D.
Identifiers: ClinVar variation 591594 (VCV000591594.7), dbSNP rs1475860578, ClinGen allele CA343661309.

ClinVar aggregate classification (germline): Pathogenic/Likely pathogenic. Review status: criteria provided, multiple submitters, no conflicts (2 of 4 stars). 3 submissions from 3 submitters: Pathogenic (1); Likely pathogenic (1). 1 of the submissions does not count toward it. Last evaluated 2026-01-28.

Conditions:
Epidermolysis bullosa, junctional 3A, intermediate. Also called: EPIDERMOLYSIS BULLOSA, JUNCTIONAL 3A, GENERALIZED INTERMEDIATE; EPIDERMOLYSIS BULLOSA, JUNCTIONAL 3A, NON-HERLITZ TYPE. Identifiers: MedGen C5676938, MONDO:0030748, OMIM 619785.
Epidermolysis bullosa, junctional 3B, severe. Also called: EPIDERMOLYSIS BULLOSA, JUNCTIONAL 3B, GENERALIZED SEVERE; EPIDERMOLYSIS BULLOSA, JUNCTIONAL 3B, HERLITZ TYPE. Identifiers: MedGen C5676939, MONDO:0030749, OMIM 619786.

Allele frequency attached by ClinVar (database versions not stated): gnomAD exomes below 0.00001.
gnomAD v4.1: 4 of 1,614,152 alleles (0.00025%); highest among the groups gnomAD compares: Non-Finnish European, 0.00034%; no homozygotes.

Submissions (3):

Labcorp Genetics (formerly Invitae), Labcorp
Classification: Pathogenic. Last evaluated: 2026-01-28. Review status: criteria provided, single submitter. Criteria: Invitae Variant Classification Sherloc (09022015). Collection method: clinical testing. Allele origin: germline.
Comment: This sequence change affects a donor splice site in intron 22 of the LAMC2 gene. While this variant is not anticipated to result in nonsense mediated decay, it likely alters RNA splicing and results in a disrupted protein product. This variant is not present in population databases (gnomAD no frequency). This variant has not been reported in the literature in individuals affected with LAMC2-related conditions. ClinVar contains an entry for this variant (Variation ID: 591594). Variants that disrupt the consensus splice site are a relatively common cause of aberrant splicing (PMID: 17576681, 9536098). Algorithms developed to predict the effect of sequence changes on RNA splicing suggest that this variant may disrupt the consensus splice site. This variant disrupts a region of the LAMC2 protein in which other variant(s) (p.Thr1132Asnfs*38) have been determined to be pathogenic (PMID: 11564184). This suggests that this is a clinically significant region of the protein, and that variants that disrupt it are likely to be disease-causing. For these reasons, this variant has been classified as Pathogenic.

Fulgent Genetics
Classification: Likely pathogenic for Epidermolysis bullosa, junctional 3A, intermediate; Epidermolysis bullosa, junctional 3B, severe. Last evaluated: 2024-02-06. Review status: criteria provided, single submitter. Criteria: ACMG Guidelines, 2015. Collection method: clinical testing. Allele origin: germline.

Gharavi Laboratory, Columbia University
Classification: Uncertain significance. Last evaluated: 2018-09-16. Review status: no assertion criteria provided. Criteria: ACMG Guidelines, 2015. Collection method: research. Allele origin: germline. Affected: yes. Not counted in ClinVar's aggregate classification.

Literature cited by the submitters: PubMed 17576681 (cited by Labcorp Genetics (formerly Invitae), Labcorp); PubMed 9536098 (cited by Labcorp Genetics (formerly Invitae), Labcorp); PubMed 11564184 (cited by Labcorp Genetics (formerly Invitae), Labcorp).